The following is an entry in ClinVar:

NC_000017.10:g.(?_41196353)_(41203154_?)dup

Gene: BRCA1 (BRCA1 DNA repair associated; minus strand). Cytogenetic location: 17q21.31.
Variant type: Duplication.
Identifiers: ClinVar variation 2425722 (VCV002425722.3).

ClinVar aggregate classification (germline): Uncertain significance (1 of 4 stars; one submission).

Conditions:
Hereditary breast ovarian cancer syndrome. Also called: Hereditary breast and ovarian cancer syndrome (HBOC); Breast and ovarian cancer; Hereditary breast and/or ovarian cancer syndrome; Hereditary breast and ovarian cancer; BRCA1- and BRCA2-Associated Hereditary Breast and Ovarian Cancer; Hereditary breast and ovarian cancer syndrome. Identifiers: Orphanet 145, MedGen C0677776, MeSH D061325, MONDO:0003582. Disease mechanism: loss of function.

Submission:

Labcorp Genetics (formerly Invitae), Labcorp
Classification: Uncertain significance for Hereditary breast ovarian cancer syndrome. Last evaluated: 2023-06-05. Review status: criteria provided, single submitter. Criteria: Invitae Variant Classification Sherloc (09022015). Collection method: clinical testing. Allele origin: germline.
Comment: In summary, the available evidence is currently insufficient to determine the role of this variant in disease. Therefore, it has been classified as a Variant of Uncertain Significance. Experimental studies and prediction algorithms are not available or were not evaluated, and the functional significance of this variant is currently unknown. This variant has not been reported in the literature in individuals affected with BRCA1-related conditions. This variant results in a copy number gain of the genomic region encompassing exon(s) 20-23 of the BRCA1 gene. This region includes the termination codon of the gene. This copy number gain extends beyond the assayed region for this gene and therefore may encompass additional genes. As the precise location of this event is unknown, it may be in tandem or it may be located elsewhere in the genome.